The following is an entry in ClinVar:

NM_001378454.1(ALMS1):c.4057C>A (p.Pro1353Thr)

Gene: ALMS1 (ALMS1 centrosome and basal body associated protein; plus strand). Cytogenetic location: 2p13.1.
Variant type: single nucleotide variant.
Coding change: c.4057C>A on transcript NM_001378454.1 (MANE Select); coding-DNA position 4057, C replaced by A.
Protein change: p.Pro1353Thr; replaces proline 1353 with threonine.
Molecular consequence: missense variant.
Genome position (GRCh38, 1-based): chr2:73,450,584, C>A. VCF-style: chr2-73450584-C-A. GRCh37 (hg19) VCF-style: chr2-73677711-C-A.
Other names: c.4060C>A, p.Pro1354Thr (NM_015120.4); short protein forms P1354T, P1353T.
Identifiers: ClinVar variation 444508 (VCV000444508.49), dbSNP rs1005994594, ClinGen allele CA50393084.

ClinVar aggregate classification (germline): Uncertain significance. Review status: criteria provided, multiple submitters, no conflicts (2 of 4 stars). 3 submissions from 3 submitters: Uncertain significance (2). 1 of the submissions does not count toward it. Last evaluated 2022-04-28.

Conditions:
Alstrom syndrome (ALMS). Identifiers: Orphanet 64, MedGen C0268425, MONDO:0008763, OMIM 203800.

Allele frequency attached by ClinVar (database versions not stated): gnomAD 0.00001; TOPMed 0.00001.
gnomAD v4.1: 13 of 1,611,998 alleles (0.00081%); highest among the groups gnomAD compares: Admixed American, 0.0017%; no homozygotes.

Submissions (3):

Labcorp Genetics (formerly Invitae), Labcorp
Classification: Uncertain significance for Alstrom syndrome. Last evaluated: 2022-04-28. Review status: criteria provided, single submitter. Criteria: Invitae Variant Classification Sherloc (09022015). Collection method: clinical testing. Allele origin: germline.
Comment: This sequence change replaces proline, which is neutral and non-polar, with threonine, which is neutral and polar, at codon 1354 of the ALMS1 protein (p.Pro1354Thr). This variant is present in population databases (no rsID available, gnomAD 0.004%). This variant has not been reported in the literature in individuals affected with ALMS1-related conditions. ClinVar contains an entry for this variant (Variation ID: 444508). Experimental studies and prediction algorithms are not available or were not evaluated, and the functional significance of this variant is currently unknown. In summary, the available evidence is currently insufficient to determine the role of this variant in disease. Therefore, it has been classified as a Variant of Uncertain Significance.

CeGaT Center for Human Genetics Tuebingen
Classification: Uncertain significance. Last evaluated: 2017-04-01. Review status: criteria provided, single submitter. Criteria: CeGaT Center For Human Genetics Tuebingen Variant Classification Criteria Version 2. Collection method: clinical testing. Allele origin: germline. Affected: yes. Observed: 1 variant allele.

Natera, Inc.
Classification: Uncertain significance for Alstrom syndrome. Last evaluated: 2020-11-17. Review status: no assertion criteria provided. Collection method: clinical testing. Allele origin: germline. Not counted in ClinVar's aggregate classification.